The following is an entry in ClinVar:

NM_000733.4(CD3E):c.508G>A (p.Gly170Ser)

Gene: CD3E (CD3 epsilon subunit of T-cell receptor complex; plus strand). Cytogenetic location: 11q23.3.
Variant type: single nucleotide variant.
Coding change: c.508G>A on transcript NM_000733.4 (MANE Select); coding-DNA position 508, G replaced by A.
Protein change: p.Gly170Ser; replaces glycine 170 with serine.
Molecular consequence: missense variant.
Genome position (GRCh38, 1-based): chr11:118,313,862, G>A. VCF-style: chr11-118313862-G-A. GRCh37 (hg19) VCF-style: chr11-118184577-G-A.
Other names: short protein forms G170S.
Identifiers: ClinVar variation 1517459 (VCV001517459.4), dbSNP rs199578380, ClinGen allele CA6301739.

ClinVar aggregate classification (germline): Uncertain significance. Review status: criteria provided, multiple submitters, no conflicts (2 of 4 stars). 2 submissions from 2 submitters: Uncertain significance (2). Last evaluated 2024-10-11.

Conditions:
Immunodeficiency 18 (IMD18). Also called: CD3-EPSILON DEFICIENCY; CD3epsilon deficiency. Identifiers: MedGen C3810127, MONDO:0014278, OMIM 615615.

Allele frequency attached by ClinVar (database versions not stated): 1000 Genomes Project 30x 0.00031; ESP Exome Variant Server 0.00008; 1000 Genomes Project 0.00040; TOPMed 0.00004.

Submissions (2):

Women's Health and Genetics/Laboratory Corporation of America, LabCorp
Classification: Uncertain significance. Last evaluated: 2024-10-11. Review status: criteria provided, single submitter. Criteria: LabCorp Variant Classification Summary - May 2015. Collection method: clinical testing. Allele origin: germline.
Comment: Variant summary: CD3E c.508G>A (p.Gly170Ser) results in a non-conservative amino acid change in the encoded protein sequence. Three of five in-silico tools predict a benign effect of the variant on protein function. The variant allele was found at a frequency of 9.6e-05 in 251094 control chromosomes. This frequency is not significantly higher than estimated for a pathogenic variant in CD3E causing Severe Combined Immunodeficiency (9.6e-05 vs 0.00035), allowing no conclusion about variant significance. To our knowledge, no occurrence of c.508G>A in individuals affected with Severe Combined Immunodeficiency and no experimental evidence demonstrating its impact on protein function have been reported. ClinVar contains an entry for this variant (Variation ID: 1517459). Based on the evidence outlined above, the variant was classified as uncertain significance.

Labcorp Genetics (formerly Invitae), Labcorp
Classification: Uncertain significance for Immunodeficiency 18. Last evaluated: 2021-10-19. Review status: criteria provided, single submitter. Criteria: Invitae Variant Classification Sherloc (09022015). Collection method: clinical testing. Allele origin: germline.
Comment: This sequence change replaces glycine with serine at codon 170 of the CD3E protein (p.Gly170Ser). The glycine residue is moderately conserved and there is a small physicochemical difference between glycine and serine. This variant is present in population databases (rs199578380, ExAC 0.04%). This variant has not been reported in the literature in individuals affected with CD3E-related conditions. Algorithms developed to predict the effect of missense changes on protein structure and function output the following: SIFT: "Tolerated"; PolyPhen-2: "Possibly Damaging"; Align-GVGD: "Class C0". The serine amino acid residue is found in multiple mammalian species, which suggests that this missense change does not adversely affect protein function. In summary, the available evidence is currently insufficient to determine the role of this variant in disease. Therefore, it has been classified as a Variant of Uncertain Significance.